The following is an entry in ClinVar:

ClinVar aggregate classification (germline): Uncertain significance. Review status: criteria provided, multiple submitters, no conflicts (2 of 4 stars). 2 submissions from 2 submitters: Uncertain significance (2). Last evaluated 2021-07-17.

Conditions:
Hereditary cancer-predisposing syndrome. Also called: Tumor predisposition; Hereditary neoplastic syndrome; Neoplastic Syndromes, Hereditary; Hereditary Cancer Syndrome. Identifiers: Orphanet 140162, MedGen C0027672, MeSH D009386, MONDO:0015356.

Allele frequency attached by ClinVar (database versions not stated): gnomAD exomes below 0.00001; gnomAD 0.00001; TOPMed 0.00001.
gnomAD v4.1: 2 of 1,601,158 alleles (0.00012%); highest among the groups gnomAD compares: Non-Finnish European, 0.00017%; no homozygotes.

Submissions (2):

Labcorp Genetics (formerly Invitae), Labcorp
Classification: Uncertain significance. Last evaluated: 2021-07-17. Review status: criteria provided, single submitter. Criteria: Invitae Variant Classification Sherloc (09022015). Collection method: clinical testing. Allele origin: germline.
Comment: Nucleotide substitutions within the consensus splice site are a relatively common cause of aberrant splicing (PMID: 17576681, 9536098). Algorithms developed to predict the effect of sequence changes on RNA splicing suggest that this variant may disrupt the consensus splice site. In summary, the available evidence is currently insufficient to determine the role of this variant in disease. Therefore, it has been classified as a Variant of Uncertain Significance. ClinVar contains an entry for this variant (Variation ID: 224571). This sequence change falls in intron 8 of the GEN1 gene. It does not directly change the encoded amino acid sequence of the GEN1 protein. It affects a nucleotide within the consensus splice site of the intron. This variant is not present in population databases (ExAC no frequency). This variant has been observed in individual(s) with ovarian cancer (PMID: 26845104).

University of Washington Department of Laboratory Medicine, University of Washington
Classification: Uncertain significance for Hereditary cancer-predisposing syndrome. Last evaluated: 2015-11-20. Review status: criteria provided, single submitter. Criteria: Shirts et al. (Genet Med 2016). Collection method: clinical testing. Allele origin: germline. Observed: 1 variant allele.

Literature cited by the submitters: PubMed 17576681 (cited by Labcorp Genetics (formerly Invitae), Labcorp); PubMed 9536098 (cited by Labcorp Genetics (formerly Invitae), Labcorp); PubMed 26845104 (cited by Labcorp Genetics (formerly Invitae), Labcorp).

NM_001130009.3(GEN1):c.953+4A>G

Gene: GEN1 (GEN1 structure-specific endonuclease; plus strand). Cytogenetic location: 2p24.2.
Variant type: single nucleotide variant.
Coding change: c.953+4A>G on transcript NM_001130009.3 (MANE Select); 4 bases into the intron after coding-DNA position 953, A replaced by G.
Molecular consequence: intron variant.
Genome position (GRCh38, 1-based): chr2:17,772,788, A>G. VCF-style: chr2-17772788-A-G. GRCh37 (hg19) VCF-style: chr2-17954055-A-G.
Other names: c.953+4A>G (NM_182625.5).
Identifiers: ClinVar variation 224571 (VCV000224571.8), dbSNP rs869312794, ClinGen allele CA358652.
Genomic context (GRCh38, chr2:17,772,788, plus strand): 5'-GTGGCACCGTACAGAACATGATAGGCAACTCAGTGAAGTAGAGAACAATATTAAGAAGTA[A>G]GTTTTTTTAAAAACTCATGATTTTTCCTGGCATGACCTATACACATACCTTTGGTTGAAT-3'